The following is an entry in ClinVar:

NM_002417.5(MKI67):c.5818C>T (p.Arg1940Trp)

Gene: MKI67 (marker of proliferation Ki-67; minus strand). Cytogenetic location: 10q26.2.
Variant type: single nucleotide variant.
Coding change: c.5818C>T on transcript NM_002417.5 (MANE Select); coding-DNA position 5818, C replaced by T.
Protein change: p.Arg1940Trp; replaces arginine 1940 with tryptophan.
Molecular consequence: missense variant.
Genome position (GRCh38, 1-based): chr10:128,106,022, G>A on the plus strand (C>T on the coding strand, the complement: MKI67 is on the minus strand). VCF-style: chr10-128106022-G-A. GRCh37 (hg19) VCF-style: chr10-129904286-G-A.
Other names: c.4738C>T, p.Arg1580Trp (NM_001145966.2); short protein forms R1940W, R1580W.
Identifiers: ClinVar variation 790406 (VCV000790406.28), dbSNP rs146273614, ClinGen allele CA5746530.
Genomic context (GRCh38, chr10:128,106,022, plus strand): 5'-GCTCTTTGAAGCCAGCCAGATCTTCTAGAGCCTTGGCCTTTTCTTTAGGAGTTTGTGGCC[G>A]TCTCTTGCTGCCAGGTAAATTTCCTAGCAGGTCCAGTTTCTCCACTGGAGTCCCCACAAA-3'
Protein context (NP_002408.3, residues 1930-1950): LLGNLPGSKR[Arg1940Trp]PQTPKEKAKA

ClinVar aggregate classification (germline): Likely benign. Review status: criteria provided, multiple submitters, no conflicts (2 of 4 stars). 3 submissions from 3 submitters: Likely benign (3). Last evaluated 2025-04-01.

Allele frequency attached by ClinVar (database versions not stated): 1000 Genomes Project 30x 0.00281; 1000 Genomes Project 0.00300; ExAC 0.00491; gnomAD exomes 0.00491 and 0.00753; gnomAD 0.00550 and 0.00570; TOPMed 0.00588; ESP Exome Variant Server 0.00654.
gnomAD v4.1: 11,767 of 1,614,116 alleles (0.73%); highest among the groups gnomAD compares: Middle Eastern, 1.1%; 66 homozygotes.

Submissions (3):

CeGaT Center for Human Genetics Tuebingen
Classification: Likely benign. Last evaluated: 2025-04-01. Review status: criteria provided, single submitter. Criteria: CeGaT Center For Human Genetics Tuebingen Variant Classification Criteria Version 2. Collection method: clinical testing. Allele origin: germline. Affected: yes. Observed: 4 variant alleles.
Comment: MKI67: BP4, BS2

Labcorp Genetics (formerly Invitae), Labcorp
Classification: Likely benign. Last evaluated: 2018-02-25. Review status: criteria provided, single submitter. Criteria: Invitae Variant Classification Sherloc (09022015). Collection method: clinical testing. Allele origin: germline.

Breakthrough Genomics
Classification: Likely benign. Review status: criteria provided, single submitter. Criteria: ACMG Guidelines, 2015. Collection method: not provided. Allele origin: germline. Inheritance: Unknown mechanism. Affected: yes.